The following is an entry in ClinVar:

NM_004304.5(ALK):c.440AGG[3] (p.Glu148dup)

Gene: ALK (ALK receptor tyrosine kinase; minus strand). Cytogenetic location: 2p23.1.
Variant type: Microsatellite.
Coding change: c.440AGG[3] on transcript NM_004304.5 (MANE Select); three copies in a row of the 3-base unit AGG starting at c.440; the reference has two copies in a row; one copy, 3 bases duplicated.
Protein change: p.Glu148dup; duplicates glutamic acid 148.
Molecular consequence: inframe insertion.
Genome position (GRCh38, 1-based): chr2:29,920,215-29,920,217, CCT duplicated on the plus strand (AGG on the coding strand, the reverse complement: ALK is on the minus strand); duplicating any 3 consecutive bases within chr2:29,920,215-29,920,221 gives the same sequence; the position shown is the placement nearest the transcript's 3' end. VCF-style (leftmost placement, unchanged base first): chr2-29920214-G-GCCT. GRCh37 (hg19) VCF-style: chr2-30143080-G-GCCT.
Identifiers: ClinVar variation 949197 (VCV000949197.9), dbSNP rs1667953492, ClinGen allele CA1241423616.

ClinVar aggregate classification (germline): Uncertain significance (1 of 4 stars; one submission).

Conditions:
Neuroblastoma, susceptibility to, 3. Also called: ALK-Related Neuroblastic Tumor Susceptibility. Identifiers: Orphanet 635, MedGen C2751681, MONDO:0013083, OMIM 613014.

Submission:

Labcorp Genetics (formerly Invitae), Labcorp
Classification: Uncertain significance for Neuroblastoma, susceptibility to, 3. Last evaluated: 2019-06-26. Review status: criteria provided, single submitter. Criteria: Invitae Variant Classification Sherloc (09022015). Collection method: clinical testing. Allele origin: germline.
Comment: This variant, c.443_445dup, results in the insertion of 1 amino acid(s) to the ALK protein (p.Glu148dup), but otherwise preserves the integrity of the reading frame. This variant is not present in population databases (ExAC no frequency). This variant has not been reported in the literature in individuals with ALK-related conditions. Experimental studies and prediction algorithms are not available or were not evaluated for this variant, and the functional significance of the affected amino acid(s) is currently unknown. In summary, the available evidence is currently insufficient to determine the role of this variant in disease. Therefore, it has been classified as a Variant of Uncertain Significance.